The following is an entry in ClinVar:

NM_000334.4(SCN4A):c.1606G>A (p.Glu536Lys)

Gene: SCN4A (sodium voltage-gated channel alpha subunit 4; minus strand). Cytogenetic location: 17q23.3.
Variant type: single nucleotide variant.
Coding change: c.1606G>A on transcript NM_000334.4 (MANE Select); coding-DNA position 1606, G replaced by A.
Protein change: p.Glu536Lys; replaces glutamic acid 536 with lysine.
Molecular consequence: missense variant.
Genome position (GRCh38, 1-based): chr17:63,963,672, C>T on the plus strand (G>A on the coding strand, the complement: SCN4A is on the minus strand). VCF-style: chr17-63963672-C-T. GRCh37 (hg19) VCF-style: chr17-62041032-C-T.
Other names: short protein forms E536K.
Identifiers: ClinVar variation 998946 (VCV000998946.9), dbSNP rs746256985, ClinGen allele CA8709795.

ClinVar aggregate classification (germline): Uncertain significance. Review status: criteria provided, multiple submitters, no conflicts (2 of 4 stars). 3 submissions from 3 submitters: Uncertain significance (3). Last evaluated 2022-08-16.

Conditions:
Potassium-aggravated myotonia. Also called: Myotonia congenita, atypical, acetazolamide-responsive; MYOTONIA CONGENITA, ACETAZOLAMIDE-RESPONSIVE; MYOTONIA CONGENITA, ATYPICAL; SODIUM CHANNEL MUSCLE DISEASE. Identifiers: Orphanet 612, Orphanet 99734, Orphanet 99735, Orphanet 99736, MedGen C2931826, MONDO:0018959, OMIM 608390.
Congenital myasthenic syndrome 16. Identifiers: Orphanet 590, MedGen C3280112, MONDO:0013620, OMIM 614198.
Paramyotonia congenita of Von Eulenburg. Also called: Paramyotonia Congenita; PARALYSIS PERIODICA PARAMYOTONICA; Eulenburg disease; Myotonia congenita intermittens; Von Eulenburg paramyotonia congenita. Identifiers: Orphanet 684, MedGen C0221055, MONDO:0008195, OMIM 168300. Disease mechanism: loss of function.
Hypokalemic periodic paralysis, type 2 (HOKPP2). Identifiers: Orphanet 681, MedGen C2750061, MONDO:0013234, OMIM 613345.
Hypokalemic periodic paralysis, type 1. Also called: Hypokalemic Periodic Paralysis Type 1 (AD); HypoPP. Identifiers: Orphanet 681, MedGen C3714580, MONDO:0042979, OMIM 170400.
Hyperkalemic periodic paralysis. Also called: Familial hyperkalemic periodic paralysis; Gamstorp disease. Identifiers: Orphanet 682, MedGen C0238357, MONDO:0008224, OMIM 170500, HP:0007215.

Allele frequency attached by ClinVar (database versions not stated): gnomAD exomes below 0.00001; ExAC 0.00001; gnomAD 0.00003; TOPMed 0.00003.

Submissions (3):

Labcorp Genetics (formerly Invitae), Labcorp
Classification: Uncertain significance for Hyperkalemic periodic paralysis. Last evaluated: 2022-08-16. Review status: criteria provided, single submitter. Criteria: Invitae Variant Classification Sherloc (09022015). Collection method: clinical testing. Allele origin: germline.
Comment: In summary, the available evidence is currently insufficient to determine the role of this variant in disease. Therefore, it has been classified as a Variant of Uncertain Significance. Variants that disrupt the consensus splice site are a relatively common cause of aberrant splicing (PMID: 17576681, 9536098). Algorithms developed to predict the effect of sequence changes on RNA splicing suggest that this variant may disrupt the consensus splice site. Algorithms developed to predict the effect of missense changes on protein structure and function are either unavailable or do not agree on the potential impact of this missense change (SIFT: "Deleterious"; PolyPhen-2: "Benign"; Align-GVGD: "Class C0"). ClinVar contains an entry for this variant (Variation ID: 998946). This variant has not been reported in the literature in individuals affected with SCN4A-related conditions. This variant is present in population databases (rs746256985, gnomAD 0.01%). This sequence change replaces glutamic acid, which is acidic and polar, with lysine, which is basic and polar, at codon 536 of the SCN4A protein (p.Glu536Lys). This variant also falls at the last nucleotide of exon 10, which is part of the consensus splice site for this exon.

Fulgent Genetics
Classification: Uncertain significance for Paramyotonia congenita of Von Eulenburg; Hypokalemic periodic paralysis, type 1; Hyperkalemic periodic paralysis; Potassium-aggravated myotonia; Hypokalemic periodic paralysis, type 2; Congenital myasthenic syndrome 16. Last evaluated: 2022-05-07. Review status: criteria provided, single submitter. Criteria: ACMG Guidelines, 2015. Collection method: clinical testing. Allele origin: unknown.

Breakthrough Genomics
Classification: Uncertain significance. Review status: criteria provided, single submitter. Criteria: ACMG Guidelines, 2015. Collection method: not provided. Allele origin: germline. Inheritance: Autosomal recessive inheritance. Affected: yes.

Literature cited by the submitters: PubMed 17576681 (cited by Labcorp Genetics (formerly Invitae), Labcorp); PubMed 9536098 (cited by Labcorp Genetics (formerly Invitae), Labcorp).